The following is an entry in ClinVar:

NM_014727.3(KMT2B):c.1106A>C (p.Lys369Thr)

Gene: KMT2B (lysine methyltransferase 2B; plus strand). Cytogenetic location: 19q13.12.
Variant type: single nucleotide variant.
Coding change: c.1106A>C on transcript NM_014727.3 (MANE Select); coding-DNA position 1106, A replaced by C.
Protein change: p.Lys369Thr; replaces lysine 369 with threonine.
Molecular consequence: missense variant.
Genome position (GRCh38, 1-based): chr19:35,720,453, A>C. VCF-style: chr19-35720453-A-C. GRCh37 (hg19) VCF-style: chr19-36211355-A-C.
Other names: short protein forms K369T.
Identifiers: ClinVar variation 3764440 (VCV003764440.1).
Genomic context (GRCh38, chr19:35,720,453, plus strand): 5'-GAGGGAGCCCTTGCTGGAAAAAGCAGGAACAGAAGCTGGATGACGAGGAAGAAGAGAAGA[A>C]AGAAGAAGAAGAAAAAGACAAGGAGGGAGAAGAGAAGGAAGAAAGAGCTGTAGCTGAGGA-3'
Protein context (NP_055542.1, residues 359-379): QKLDDEEEEK[Lys369Thr]EEEEKDKEGE

ClinVar aggregate classification (germline): Uncertain significance (1 of 4 stars; one submission).

Submission:

GeneDx
Classification: Uncertain significance. Last evaluated: 2024-08-19. Review status: criteria provided, single submitter. Criteria: GeneDx Variant Classification Process June 2021. Collection method: clinical testing. Allele origin: germline. Affected: yes.
Comment: Not observed at significant frequency in large population cohorts (gnomAD); In silico analysis indicates that this missense variant does not alter protein structure/function; Has not been previously published as pathogenic or benign to our knowledge